The following is an entry in ClinVar:

ClinVar aggregate classification (germline): Uncertain significance (1 of 4 stars; one submission).

Conditions:
Baller-Gerold syndrome (BGS). Also called: CRANIOSYNOSTOSIS WITH RADIAL DEFECTS. Identifiers: Orphanet 1225, MedGen C0265308, MONDO:0009039, OMIM 218600.

Allele frequency attached by ClinVar (database versions not stated): ExAC 0.00002; gnomAD exomes 0.00002 and 0.00003; TOPMed 0.00002; gnomAD 0.00003 and 0.00004.
gnomAD v4.1: 29 of 1,608,536 alleles (0.0018%); highest among the groups gnomAD compares: South Asian, 0.0077%; 1 homozygote.

Submission:

Labcorp Genetics (formerly Invitae), Labcorp
Classification: Uncertain significance for Baller-Gerold syndrome. Last evaluated: 2022-10-31. Review status: criteria provided, single submitter. Criteria: Invitae Variant Classification Sherloc (09022015). Collection method: clinical testing. Allele origin: germline.
Comment: This sequence change replaces leucine, which is neutral and non-polar, with phenylalanine, which is neutral and non-polar, at codon 219 of the RECQL4 protein (p.Leu219Phe). This variant is present in population databases (rs756820839, gnomAD 0.009%). This variant has not been reported in the literature in individuals affected with RECQL4-related conditions. ClinVar contains an entry for this variant (Variation ID: 1495396). Advanced modeling of protein sequence and biophysical properties (such as structural, functional, and spatial information, amino acid conservation, physicochemical variation, residue mobility, and thermodynamic stability) performed at Invitae indicates that this missense variant is not expected to disrupt RECQL4 protein function. In summary, the available evidence is currently insufficient to determine the role of this variant in disease. Therefore, it has been classified as a Variant of Uncertain Significance.

NM_004260.4(RECQL4):c.655C>T (p.Leu219Phe)

Gene: RECQL4 (RecQ like helicase 4; minus strand). Cytogenetic location: 8q24.3.
Variant type: single nucleotide variant.
Coding change: c.655C>T on transcript NM_004260.4 (MANE Select); coding-DNA position 655, C replaced by T.
Protein change: p.Leu219Phe; replaces leucine 219 with phenylalanine.
Molecular consequence: missense variant.
Genome position (GRCh38, 1-based): chr8:144,516,464, G>A on the plus strand (C>T on the coding strand, the complement: RECQL4 is on the minus strand). VCF-style: chr8-144516464-G-A. GRCh37 (hg19) VCF-style: chr8-145741848-G-A.
Other names: short protein forms L219F.
Identifiers: ClinVar variation 1495396 (VCV001495396.3), dbSNP rs756820839, ClinGen allele CA4949220.